The following is an entry in ClinVar:

ClinVar aggregate classification (germline): Likely benign. Review status: criteria provided, single submitter (1 of 4 stars). 2 submissions from 2 submitters: Likely benign (1). 1 of the submissions does not count toward it. Last evaluated 2025-10-01.

Allele frequency attached by ClinVar (database versions not stated): gnomAD exomes 0.00056; gnomAD 0.00010 and 0.00013; TOPMed 0.00010; ExAC 0.00885.
gnomAD v4.1: 313 of 1,186,104 alleles (0.026%); highest among the groups gnomAD compares: South Asian, 0.3%; 2 homozygotes.

Submissions (2):

CeGaT Center for Human Genetics Tuebingen
Classification: Likely benign. Last evaluated: 2025-10-01. Review status: criteria provided, single submitter. Criteria: CeGaT Center For Human Genetics Tuebingen Variant Classification Criteria Version 2. Collection method: clinical testing. Allele origin: germline. Affected: yes. Observed: 1 variant allele.
Comment: NRG1: BP4, BS1

Psychiatry Genetics Yale University
No classification provided. Review status: no classification provided. Collection method: not provided. Allele origin: not provided. Not counted in ClinVar's aggregate classification.

NC_000008.11:g.31640175C>T

Gene: NRG1 (neuregulin 1; plus strand). Cytogenetic location: 8p12.
Variant type: single nucleotide variant.
Molecular consequence: missense variant (on NM_013962.3). On other transcripts: intron variant (5).
Genome position: GRCh38 VCF-style: chr8-31640175-C-T. GRCh37 (hg19) VCF-style: chr8-31497691-C-T.
Other names: c.191C>T, p.Ser64Leu (NM_013962.3); c.37+744C>T (NM_001159999.3, NM_001159995.3, NM_001160001.3); c.-556+744C>T (NM_001322201.2); c.-505+744C>T (NM_001322202.2); short protein forms S64L.
Identifiers: ClinVar variation 98386 (VCV000098386.8), dbSNP rs367543155, ClinGen allele CA225641.